The following is an entry in ClinVar:

GRCh37/hg19 22q11.21(chr22:20716877-21465659)x1

Genes: AIFM3 (AIF family member 3; plus strand), CRKL (CRK like proto-oncogene, adaptor protein; plus strand), KLHL22 (kelch like family member 22; minus strand), LZTR1 (leucine zipper like post translational regulator 1; plus strand), MED15 (mediator complex subunit 15; plus strand) and 9 more. Cytogenetic location: 22q11.21.
Variant type: copy number loss.
Change: copy number 1 (one copy instead of two) of chr22:20,716,877-21,465,659 (748.8 kb, GRCh37 coordinates, 1-based), cytogenetic band 22q11.21.
Identifiers: ClinVar variation 1808742 (VCV001808742.1).

ClinVar aggregate classification (germline): Likely pathogenic (1 of 4 stars; one submission).

Submission:

Quest Diagnostics Nichols Institute San Juan Capistrano
Classification: Likely pathogenic. Last evaluated: 2024-06-17. Review status: criteria provided, single submitter. Criteria: ACMG/ClinGen CNV Guidelines, 2019. Collection method: clinical testing. Allele origin: unknown.
Comment: This copy number loss of 22q11.2 extends from low copy number repeats (LCRs) B to D and has been defined as central 22q11.2 deletion syndrome (ISCA-37516). Individuals with this central 22q11.2 deletion have variable phenotypes (Burnside 2015), although features are highly variable, even within families. CRKL has been proposed as a gene of interest (Breckpot 2012, Lopez-Rivera 2017, Racedo 2015), although haploinsufficiency has not been conclusively established (ISCA-2553). Enrichment of this deletion in clinical populations vs. controls was not found to be significant (p=0.3328; Coe 2014), and there are multiple similar copy number losses of this region in the general populations of the Database of Genomic Variants. Thus, this copy number loss is best described as a susceptibility locus and is interpreted as likely pathogenic. References: Breckpot et al., Am J Med Genet A. 2012 Mar;158A(3):574-80. PMID: 22318985; Burnside et al., Cytogenet Genome Res. 2015;146(2):89-99. PMID: 26278718; Coe et al., Nat Genet. 2014 Oct;46(10):1063-71. PMID: 25217958; Lopez-Rivera et al., N Engl J Med. 2017 Feb 23;376(8):742-754. PMID: 28121514; Racedo et al., Am J Hum Genet. 2015 Feb 5;96(2):235-44. PMID: 25658046